The following is an entry in ClinVar:

ClinVar aggregate classification (germline): Uncertain significance. Review status: criteria provided, multiple submitters, no conflicts (2 of 4 stars). 3 submissions from 3 submitters: Uncertain significance (3). Last evaluated 2026-07-03.

Conditions:
Autosomal dominant intellectual disability-craniofacial anomalies-cardiac defects syndrome (ARTHS). Also called: Mental retardation, autosomal dominant 32; KAT6A syndrome; Arboleda-Tham syndrome. Identifiers: Orphanet 457193, MedGen C4225396, MONDO:0014558, OMIM 616268.
Inborn genetic diseases. Identifiers: MedGen C0950123, MeSH D030342.

Allele frequency attached by ClinVar (database versions not stated): TOPMed below 0.00001; gnomAD exomes below 0.00001; gnomAD 0.00001.
gnomAD v4.1: 4 of 1,614,138 alleles (0.00025%); highest among the groups gnomAD compares: African/African-American, 0.004%; no homozygotes.

Submissions (3):

Ambry Genetics
Classification: Uncertain significance for Inborn genetic diseases. Last evaluated: 2026-07-03. Review status: criteria provided, single submitter. Criteria: Ambry Variant Classification Scheme 2023. Collection method: clinical testing. Allele origin: germline.

Labcorp Genetics (formerly Invitae), Labcorp
Classification: Uncertain significance. Last evaluated: 2024-10-26. Review status: criteria provided, single submitter. Criteria: Invitae Variant Classification Sherloc (09022015). Collection method: clinical testing. Allele origin: germline.
Comment: This sequence change replaces proline, which is neutral and non-polar, with serine, which is neutral and polar, at codon 1850 of the KAT6A protein (p.Pro1850Ser). This variant is not present in population databases (gnomAD no frequency). This variant has not been reported in the literature in individuals affected with KAT6A-related conditions. Invitae Evidence Modeling of protein sequence and biophysical properties (such as structural, functional, and spatial information, amino acid conservation, physicochemical variation, residue mobility, and thermodynamic stability) indicates that this missense variant is not expected to disrupt KAT6A protein function with a negative predictive value of 95%. In summary, the available evidence is currently insufficient to determine the role of this variant in disease. Therefore, it has been classified as a Variant of Uncertain Significance.

Revvity Omics, Revvity
Classification: Uncertain significance for Autosomal dominant intellectual disability-craniofacial anomalies-cardiac defects syndrome. Last evaluated: 2023-07-06. Review status: criteria provided, single submitter. Criteria: ACMG Guidelines, 2015. Collection method: clinical testing. Allele origin: germline.

NM_006766.5(KAT6A):c.5548C>T (p.Pro1850Ser)

Gene: KAT6A (lysine acetyltransferase 6A; minus strand). Cytogenetic location: 8p11.21.
Variant type: single nucleotide variant.
Coding change: c.5548C>T on transcript NM_006766.5 (MANE Select); coding-DNA position 5548, C replaced by T.
Protein change: p.Pro1850Ser; replaces proline 1850 with serine.
Molecular consequence: missense variant.
Genome position (GRCh38, 1-based): chr8:41,932,672, G>A on the plus strand (C>T on the coding strand, the complement: KAT6A is on the minus strand). VCF-style: chr8-41932672-G-A. GRCh37 (hg19) VCF-style: chr8-41790190-G-A.
Other names: c.5548C>T (NM_006766.3); short protein forms P1850S.
Identifiers: ClinVar variation 2689272 (VCV002689272.6), dbSNP rs866001782, ClinGen allele CA175938482.
Genomic context (GRCh38, chr8:41,932,672, plus strand): 5'-GAGCAGCCGCAGAGGGCAGTGGCGCAGACTTGGAGCGGATGGAAATGTGCCCCTTCACTG[G>A]CATTTGCCCTTGCAATCTCTGCGTGTGAGGAATGCCAATGTTGGTGGCAGACATGTTGCA-3'
Protein context (NP_006757.2, residues 1840-1860): PHTQRLQGQM[Pro1850Ser]VKGHISIRSK